The following is an entry in ClinVar:

ClinVar aggregate classification (germline): Likely benign. Review status: criteria provided, multiple submitters, no conflicts (2 of 4 stars). 4 submissions from 4 submitters: Likely benign (4). Last evaluated 2024-07-20.

Conditions:
Wilson disease (WND). Also called: Wilson's disease. Identifiers: Orphanet 905, MedGen C0019202, MONDO:0010200, OMIM 277900. Disease mechanism: loss of function.

Allele frequency attached by ClinVar (database versions not stated): ExAC 0.00001; gnomAD exomes 0.00001 and 0.00002.
gnomAD v4.1: 25 of 1,614,166 alleles (0.0015%); highest among the groups gnomAD compares: Non-Finnish European, 0.002%; no homozygotes.

Submissions (4):

All of Us Research Program, National Institutes of Health
Classification: Likely benign for Wilson disease. Last evaluated: 2024-07-20. Review status: criteria provided, single submitter. Criteria: ACMG Guidelines, 2015. Collection method: clinical testing. Allele origin: germline. Inheritance: Autosomal recessive inheritance. Observed: 2 variant alleles, 2 heterozygotes.
Comment: This study involves interpretation of variants in research participants for the purpose of population health screening. Participant phenotype was not available at the time of variant classification. Additional details can be found in publication PMID: 35346344, PMCID: PMC8962531

Labcorp Genetics (formerly Invitae), Labcorp
Classification: Likely benign for Wilson disease. Last evaluated: 2024-02-01. Review status: criteria provided, single submitter. Criteria: Invitae Variant Classification Sherloc (09022015). Collection method: clinical testing. Allele origin: germline.

Color Diagnostics, LLC DBA Color Health
Classification: Likely benign for Wilson disease. Last evaluated: 2023-05-24. Review status: criteria provided, single submitter. Criteria: ACMG Guidelines, 2015. Collection method: clinical testing. Allele origin: germline.

Blueprint Genetics
Classification: Likely benign. Last evaluated: 2022-08-16. Review status: criteria provided, single submitter. Criteria: ACMG Guidelines, 2015. Collection method: clinical testing. Allele origin: germline.

NM_000053.4(ATP7B):c.471T>C (p.Cys157=)

Gene: ATP7B (ATPase copper transporting beta; minus strand). Cytogenetic location: 13q14.3.
Variant type: single nucleotide variant.
Coding change: c.471T>C on transcript NM_000053.4 (MANE Select); coding-DNA position 471, T replaced by C.
Protein change: p.Cys157=; no amino-acid change (cysteine 157 retained).
Molecular consequence: synonymous variant.
Genome position (GRCh38, 1-based): chr13:51,974,749, A>G on the plus strand (T>C on the coding strand, the complement: ATP7B is on the minus strand). VCF-style: chr13-51974749-A-G. GRCh37 (hg19) VCF-style: chr13-52548885-A-G.
Other names: c.471T>C, p.Cys157= (NM_001330578.2, NM_001330579.2, NM_001005918.3 and 1 more transcripts).
Identifiers: ClinVar variation 1145536 (VCV001145536.12), dbSNP rs748497024, ClinGen allele CA6989554.